The following is an entry in ClinVar:

NM_001042472.3(ABHD12):c.149C>T (p.Pro50Leu)

Genes: ABHD12 (abhydrolase domain containing 12, lysophospholipase; minus strand), LOC130065586 (ATAC-STARR-seq lymphoblastoid silent region 12752; plus strand). Cytogenetic location: 20p11.21.
Variant type: single nucleotide variant.
Coding change: c.149C>T on transcript NM_001042472.3 (MANE Select); coding-DNA position 149, C replaced by T.
Protein change: p.Pro50Leu; replaces proline 50 with leucine.
Molecular consequence: missense variant.
Genome position (GRCh38, 1-based): chr20:25,390,555, G>A on the plus strand (C>T on the coding strand, the complement: ABHD12 is on the minus strand). VCF-style: chr20-25390555-G-A. GRCh37 (hg19) VCF-style: chr20-25371191-G-A.
Other names: c.149C>T, p.Pro50Leu (NM_015600.5); short protein forms P50L.
Identifiers: ClinVar variation 1526361 (VCV001526361.3), dbSNP rs765002284, ClinGen allele CA9796314.

ClinVar aggregate classification (germline): Uncertain significance. Review status: criteria provided, multiple submitters, no conflicts (2 of 4 stars). 2 submissions from 2 submitters: Uncertain significance (2). Last evaluated 2025-03-07.

Conditions:
ABHD12-related disorder. Also called: ABHD12-related condition.

Submissions (2):

PreventionGenetics, part of Exact Sciences
Classification: Uncertain significance for ABHD12-related condition. Last evaluated: 2025-03-07. Review status: criteria provided, single submitter. Criteria: ACMG Guidelines, 2015. Collection method: clinical testing. Allele origin: germline.
Comment: The ABHD12 c.149C>T variant is predicted to result in the amino acid substitution p.Pro50Leu. To our knowledge, this variant has not been reported in the literature or in a large population database (gnomAD), indicating this variant is rare. At this time, the clinical significance of this variant is uncertain due to the absence of conclusive functional and genetic evidence.

GeneDx
Classification: Uncertain significance. Last evaluated: 2021-09-25. Review status: criteria provided, single submitter. Criteria: GeneDx Variant Classification Process June 2021. Collection method: clinical testing. Allele origin: germline. Affected: yes.
Comment: In silico analysis supports that this missense variant does not alter protein structure/function; Has not been previously published as pathogenic or benign to our knowledge